The following is an entry in ClinVar:

ClinVar aggregate classification (germline): Likely benign (1 of 4 stars; one submission).

gnomAD v4.1: 32 of 1,613,926 alleles (0.002%); highest among the groups gnomAD compares: East Asian, 0.0067%; 1 homozygote.

Submission:

CeGaT Center for Human Genetics Tuebingen
Classification: Likely benign. Last evaluated: 2026-06-01. Review status: criteria provided, single submitter. Criteria: CeGaT Center For Human Genetics Tuebingen Variant Classification Criteria Version 2. Collection method: clinical testing. Allele origin: germline. Affected: yes. Observed: 2 variant alleles.
Comment: SLF2: BP4, BP7

NM_018121.4(SLF2):c.2382G>A (p.Thr794=)

Gene: SLF2 (SMC5/6 complex localization factor 2; plus strand). Cytogenetic location: 10q24.31.
Variant type: single nucleotide variant.
Coding change: c.2382G>A on transcript NM_018121.4 (MANE Select); coding-DNA position 2382, G replaced by A.
Protein change: p.Thr794=; no amino-acid change (threonine 794 retained).
Molecular consequence: synonymous variant.
Genome position (GRCh38, 1-based): chr10:100,931,024, G>A. VCF-style: chr10-100931024-G-A. GRCh37 (hg19) VCF-style: chr10-102690781-G-A.
Other names: c.2382G>A, p.Thr794= (NM_001136123.2).
Identifiers: ClinVar variation 4873760 (VCV004873760.2).
Genomic context (GRCh38, chr10:100,931,024, plus strand): 5'-TTATTTTTTCAGATCGGGAAAAACAGATCAGATTTTTTTGACAACACAAGGTTTCCTTAC[G>A]TCTGCTTATCACTATGTCCAGTGTCCTGTCCCTGTGTTAAAGTGGCTGTTTCGGGTAAGA-3'
Protein context (NP_060591.3, residues 784-804): QIFLTTQGFL[Thr794=]SAYHYVQCPV